The following is an entry in ClinVar:

NM_004174.4(SLC9A3):c.2194G>T (p.Gly732Trp)

Genes: SLC9A3 (solute carrier family 9 member A3), SLC9A3-AS1 (SLC9A3 antisense RNA 1; plus strand). Cytogenetic location: 5p15.33.
Variant type: single nucleotide variant.
Coding change: c.2194G>T on transcript NM_004174.4 (MANE Select); coding-DNA position 2194, G replaced by T.
Protein change: p.Gly732Trp; replaces glycine 732 with tryptophan.
Molecular consequence: missense variant.
Genome position (GRCh38, 1-based): chr5:475,618, C>A on the plus strand (G>T on the coding strand, the complement: SLC9A3 is on the minus strand). VCF-style: chr5-475618-C-A. GRCh37 (hg19) VCF-style: chr5-475733-C-A.
Other names: c.2167G>T, p.Gly723Trp (NM_001284351.3); short protein forms G723W, G732W.
Identifiers: ClinVar variation 5040687 (VCV005040687.1).

ClinVar aggregate classification (germline): Uncertain significance (1 of 4 stars; one submission).

gnomAD v4.1: 1 of 1,552,722 alleles (0.000064%); highest among the groups gnomAD compares: South Asian, 0.0012%; no homozygotes.

Submission:

CeGaT Center for Human Genetics Tuebingen
Classification: Uncertain significance. Last evaluated: 2026-08-01. Review status: criteria provided, single submitter. Criteria: CeGaT Center For Human Genetics Tuebingen Variant Classification Criteria Version 2. Collection method: clinical testing. Allele origin: germline. Affected: yes. Observed: 1 variant allele.
Comment: SLC9A3: PM2, BP4